The following is an entry in ClinVar:

ClinVar aggregate classification (germline): Benign (1 of 4 stars; one submission).

Conditions:
Mendelian susceptibility to mycobacterial diseases due to partial STAT1 deficiency. Also called: IMMUNODEFICIENCY 31A, MYCOBACTERIOSIS, AUTOSOMAL DOMINANT; STAT1 DEFICIENCY, AUTOSOMAL DOMINANT; Immunodeficiency 31a. Identifiers: Orphanet 319595, MedGen C4013950, MONDO:0013956, OMIM 614892.

Allele frequency attached by ClinVar (database versions not stated): gnomAD 0.00035 and 0.00049; TOPMed 0.00054; 1000 Genomes Project 0.00100; 1000 Genomes Project 30x 0.00125.

Submission:

Illumina Laboratory Services, Illumina
Classification: Benign for Mendelian susceptibility to mycobacterial diseases due to partial STAT1 deficiency. Last evaluated: 2018-01-13. Review status: criteria provided, single submitter. Criteria: ICSL Variant Classification Criteria 13 December 2019. Collection method: clinical testing. Allele origin: germline.
Comment: This variant was observed in the ICSL laboratory as part of a predisposition screen in an ostensibly healthy population. It had not been previously curated by ICSL or reported in the Human Gene Mutation Database (HGMD: prior to June 1st, 2018), and was therefore a candidate for classification through an automated scoring system. Utilizing variant allele frequency, disease prevalence and penetrance estimates, and inheritance mode, an automated score was calculated to assess if this variant is too frequent to cause the disease. Based on the score and internal cut-off values, a variant classified as benign is not then subjected to further curation. The score for this variant resulted in a classification of benign for this disease.

NM_007315.4(STAT1):c.-298C>T

Gene: STAT1 (signal transducer and activator of transcription 1; minus strand). Cytogenetic location: 2q32.2.
Variant type: single nucleotide variant.
Coding change: c.-298C>T on transcript NM_007315.4 (MANE Select); 298 bases upstream of the start codon, C replaced by T.
Molecular consequence: 5 prime UTR variant.
Genome position (GRCh38, 1-based): chr2:191,014,160, G>A on the plus strand (C>T on the coding strand, the complement: STAT1 is on the minus strand). VCF-style: chr2-191014160-G-A. GRCh37 (hg19) VCF-style: chr2-191878886-G-A.
Other names: c.-298C>T (NM_001384880.1, NM_001384882.1, NM_001384883.1 and 8 more transcripts); c.-375C>T (NM_001384881.1, NM_001384884.1).
Identifiers: ClinVar variation 333298 (VCV000333298.5), dbSNP rs531009254, ClinGen allele CA10613383.
Genomic context (GRCh38, chr2:191,014,160, plus strand): 5'-CTGGGGTCTGCCAGGCGCGATCCCCCCGGTGCAGCCGAGCCCCTCCGCAGACTCTGCGCA[G>A]GAAAGCGAAACTACCCGGCAGGAGAAAAGGCAGCGCTGGCGCCCGGCCCCCTTCCGCCCC-3'